The following is an entry in ClinVar:

NM_003238.6(TGFB2):c.104del (p.Lys35fs)

Gene: TGFB2 (transforming growth factor beta 2; plus strand). Cytogenetic location: 1q41.
Variant type: Deletion.
Coding change: c.104del on transcript NM_003238.6 (MANE Select); coding-DNA position 104, one base deleted (A; older notation c.104delA).
Protein change: p.Lys35fs; shifts the reading frame from lysine 35.
Molecular consequence: frameshift variant. On other transcripts: non-coding transcript variant (2).
Genome position (GRCh38, 1-based): chr1:218,346,805, A deleted; the last of 2 consecutive A bases (chr1:218,346,804-218,346,805); deleting either gives the same sequence. VCF-style (leftmost placement, unchanged base first): chr1-218346803-CA-C. GRCh37 (hg19) VCF-style: chr1-218520145-CA-C.
Other names: c.104del, p.Lys35fs (NM_001135599.4); short protein forms K35fs.
Identifiers: ClinVar variation 3455792 (VCV003455792.1).
Genomic context (GRCh38, chr1:218,346,803, plus strand): 5'-GGTCACGGTCGCGCTCAGCCTGTCTACCTGCAGCACACTCGATATGGACCAGTTCATGCG[CA>C]AGAGGATCGAGGCGATCCGCGGGCAGATCCTGAGCAAGCTGAAGCTCACCAGTCCCCCAG-3'

ClinVar aggregate classification (germline): Likely pathogenic (1 of 4 stars; one submission).

Conditions:
Familial thoracic aortic aneurysm and aortic dissection (TAAD). Also called: Thoracic aortic aneurysms and dissections. Identifiers: Orphanet 91387, MedGen C4707243, MONDO:0019625.

Submission:

Ambry Genetics
Classification: Likely pathogenic for Familial thoracic aortic aneurysm and aortic dissection. Last evaluated: 2024-06-25. Review status: criteria provided, single submitter. Criteria: Ambry Variant Classification Scheme 2023. Collection method: clinical testing. Allele origin: germline.
Comment: The c.104delA variant, located in coding exon 1 of the TGFB2 gene, results from a deletion of one nucleotide at nucleotide position 104, causing a translational frameshift with a predicted alternate stop codon (p.K35Rfs*11). The predicted stop codon occurs in the 5&rsquo; end of theTGFB2 gene. Premature termination codons in the 5&rsquo; end of a gene have been reported to escape nonsense-mediated mRNAdecay and/or lead to re-initiation (Rivas et al. Science. 2015 May 8;348(6235):666-9; Lindeboom et al. Nat Genet. 2016 Oct;48(10):1112-8; Rhee et al. Sci Rep. 2017 May 10;7(1):1653). Direct evidence for this alteration is unavailable, however premature termination codons are typically deleterious in nature. In addition, this variant has been observed in at least one individual with a personal and/or family history that is consistent with TGFB2-related Loeys-Dietz syndrome or thoracic aortic aneurysm and dissection (Ambry internal data). This variant is considered to be rare based on population cohorts in the Genome Aggregation Database (gnomAD). Based on the majority of available evidence to date, this variant is likely to be pathogenic.